The following is an entry in ClinVar:

NM_004700.4(KCNQ4):c.1406A>G (p.Gln469Arg)

Gene: KCNQ4 (potassium voltage-gated channel subfamily Q member 4; plus strand). Cytogenetic location: 1p34.2.
Variant type: single nucleotide variant.
Coding change: c.1406A>G on transcript NM_004700.4 (MANE Select); coding-DNA position 1406, A replaced by G.
Protein change: p.Gln469Arg; replaces glutamine 469 with arginine.
Molecular consequence: missense variant.
Genome position (GRCh38, 1-based): chr1:40,831,197, A>G. VCF-style: chr1-40831197-A-G. GRCh37 (hg19) VCF-style: chr1-41296869-A-G.
Other names: c.1244A>G, p.Gln415Arg (NM_172163.3); short protein forms Q469R, Q415R.
Identifiers: ClinVar variation 506132 (VCV000506132.4), dbSNP rs1553168273, ClinGen allele CA339886491.

ClinVar aggregate classification (germline): Uncertain significance (1 of 4 stars; one submission).

Allele frequency attached by ClinVar (database versions not stated): TOPMed 0.00001.

Submission:

Laboratory for Molecular Medicine, Mass General Brigham Personalized Medicine
Classification: Uncertain significance. Last evaluated: 2017-09-14. Review status: criteria provided, single submitter. Criteria: LMM Criteria. Collection method: clinical testing. Allele origin: germline. Observed: 1 variant allele.
Comment: The p.Gln469Arg variant in KCNQ4 has not been previously reported in individuals with hearing loss or in large population studies. Computational prediction tool s and conservation analyses suggest that this variant may not impact the protein , though this information is not predictive enough to rule out pathogenicity. In summary, the clinical significance of the p.Gln469Arg variant is uncertain.